The following is an entry in ClinVar:

NM_014915.3(ANKRD26):c.3623A>T (p.Tyr1208Phe)

Gene: ANKRD26 (ankyrin repeat domain containing 26; minus strand). Cytogenetic location: 10p12.1.
Variant type: single nucleotide variant.
Coding change: c.3623A>T on transcript NM_014915.3 (MANE Select); coding-DNA position 3623, A replaced by T.
Protein change: p.Tyr1208Phe; replaces tyrosine 1208 with phenylalanine.
Molecular consequence: missense variant.
Genome position (GRCh38, 1-based): chr10:27,034,827, T>A on the plus strand (A>T on the coding strand, the complement: ANKRD26 is on the minus strand). VCF-style: chr10-27034827-T-A. GRCh37 (hg19) VCF-style: chr10-27323756-T-A.
Other names: p.Tyr1208Phe; c.3620A>T, p.Tyr1207Phe (NM_001256053.2); short protein forms Y1207F, Y1208F.
Identifiers: ClinVar variation 3379954 (VCV003379954.3).
Genomic context (GRCh38, chr10:27,034,827, plus strand): 5'-GAAAAATATTTATCTTTCTTGATACTTACTTCTCTTTCTGCCTTTTCATTTTCATATTGA[T>A]ACTGTCTTTCTTTTAAGTGATTACATTCACTGATTAACTCCTTATTTCTTTCTTCTAGCA-3'
Protein context (NP_055730.2, residues 1198-1218): SECNHLKERQ[Tyr1208Phe]QYENEKAERE

ClinVar aggregate classification (germline): Uncertain significance. Review status: criteria provided, multiple submitters, no conflicts (2 of 4 stars). 2 submissions from 2 submitters: Uncertain significance (2). Last evaluated 2025-04-06.

Conditions:
Inborn genetic diseases. Identifiers: MedGen C0950123, MeSH D030342.

gnomAD v4.1: 1 of 1,610,398 alleles (0.000062%); highest among the groups gnomAD compares: African/African-American, 0.0013%; no homozygotes.

Submissions (2):

Ambry Genetics
Classification: Uncertain significance for Inborn genetic diseases. Last evaluated: 2025-04-06. Review status: criteria provided, single submitter. Criteria: Ambry Variant Classification Scheme 2023. Collection method: clinical testing. Allele origin: germline.
Comment: The p.Y1208F variant (also known as c.3623A>T), located in coding exon 24 of the ANKRD26 gene, results from an A to T substitution at nucleotide position 3623. The tyrosine at codon 1208 is replaced by phenylalanine, an amino acid with highly similar properties. This amino acid position is conserved. In addition, this alteration is predicted to be tolerated by in silico analysis. Based on the available evidence, the clinical significance of this variant remains unclear.

Mayo Clinic Laboratories, Mayo Clinic
Classification: Uncertain significance. Last evaluated: 2024-08-12. Review status: criteria provided, single submitter. Criteria: ACMG Guidelines, 2015. Collection method: clinical testing. Allele origin: germline. Observed: 1 variant allele.
Comment: BP4, PM2